The following is an entry in ClinVar:

ClinVar aggregate classification (germline): Likely benign. Review status: criteria provided, multiple submitters, no conflicts (2 of 4 stars). 4 submissions from 4 submitters: Likely benign (3). 1 of the submissions does not count toward it. Last evaluated 2026-01-01.

Conditions:
OGDHL-related disorder. Also called: OGDHL-related condition.
Inborn genetic diseases. Identifiers: MedGen C0950123, MeSH D030342.

Allele frequency attached by ClinVar (database versions not stated): ESP Exome Variant Server 0.00300; TOPMed 0.00350; 1000 Genomes Project 30x 0.00453; 1000 Genomes Project 0.00479; gnomAD 0.00632 and 0.00657; ExAC 0.00650.

Submissions (4):

CeGaT Center for Human Genetics Tuebingen
Classification: Likely benign. Last evaluated: 2026-01-01. Review status: criteria provided, single submitter. Criteria: CeGaT Center For Human Genetics Tuebingen Variant Classification Criteria Version 2. Collection method: clinical testing. Allele origin: germline. Affected: yes. Observed: 6 variant alleles.
Comment: OGDHL: PP3, BS2

Ambry Genetics
Classification: Likely benign for Inborn genetic diseases. Last evaluated: 2017-01-16. Review status: criteria provided, single submitter. Criteria: Ambry Autosomal Dominant and X-Linked criteria (10/2015). Collection method: clinical testing. Allele origin: germline. Observed: 1 variant allele.

Breakthrough Genomics
Classification: Likely benign. Review status: criteria provided, single submitter. Criteria: ACMG Guidelines, 2015. Collection method: not provided. Allele origin: germline. Inheritance: Autosomal recessive inheritance. Affected: yes.

PreventionGenetics, part of Exact Sciences
Classification: Benign for OGDHL-related condition. Last evaluated: 2019-06-18. Review status: no assertion criteria provided. Collection method: clinical testing. Allele origin: germline. Not counted in ClinVar's aggregate classification.
Comment: This variant is classified as benign based on ACMG/AMP sequence variant interpretation guidelines (Richards et al. 2015 PMID: 25741868, with internal and published modifications).

NM_018245.3(OGDHL):c.2201T>C (p.Phe734Ser)

Gene: OGDHL (oxoglutarate dehydrogenase L; minus strand). Cytogenetic location: 10q11.23.
Variant type: single nucleotide variant.
Coding change: c.2201T>C on transcript NM_018245.3 (MANE Select); coding-DNA position 2201, T replaced by C.
Protein change: p.Phe734Ser; replaces phenylalanine 734 with serine.
Molecular consequence: missense variant. On other transcripts: non-coding transcript variant (5).
Genome position (GRCh38, 1-based): chr10:49,739,779, A>G on the plus strand (T>C on the coding strand, the complement: OGDHL is on the minus strand). VCF-style: chr10-49739779-A-G. GRCh37 (hg19) VCF-style: chr10-50947825-A-G.
Other names: c.2030T>C, p.Phe677Ser (NM_001143996.2, NM_001347820.1); c.1574T>C, p.Phe525Ser (NM_001143997.2, NM_001347821.2, NM_001347822.1); c.2201T>C, p.Phe734Ser (NM_001347819.1); c.2021T>C, p.Phe674Ser (NM_001347823.1, NM_001347824.2); c.1394T>C, p.Phe465Ser (NM_001347825.2); c.1004T>C, p.Phe335Ser (NM_001347826.1); short protein forms F734S, F674S, F677S, F335S, F465S, F525S.
Identifiers: ClinVar variation 225031 (VCV000225031.28), dbSNP rs143105288, ClinGen allele CA358121.
Genomic context (GRCh38, chr10:49,739,779, plus strand): 5'-GCCTGGCCGGTGCTGATGAACTGGTCGATGATGCACTGGGCCGTGTTGTGGAAGTCCCCA[A>G]ACTGGGCCTCCCAGAGGACCAGGGCATTGGGGCTGGCCATGGCATAGCCCAGCTCAAAGC-3'
Protein context (NP_060715.2, residues 724-744): PNALVLWEAQ[Phe734Ser]GDFHNTAQCI